The following is an entry in ClinVar:

ClinVar aggregate classification (germline): Uncertain significance (1 of 4 stars; one submission).

Conditions:
Leber congenital amaurosis 9 (LCA9). Also called: LCA 9; Amaurosis congenita of Leber, type 9; LCA9 Leber Congenital Amaurosis. Identifiers: Orphanet 65, MedGen C1837873, MONDO:0012056, OMIM 608553.

Allele frequency attached by ClinVar (database versions not stated): gnomAD exomes below 0.00001 and 0.00001; TOPMed below 0.00001; ExAC 0.00001; gnomAD 0.00002.
gnomAD v4.1: 6 of 1,613,894 alleles (0.00037%); highest among the groups gnomAD compares: African/African-American, 0.0053%; no homozygotes.

Submission:

Labcorp Genetics (formerly Invitae), Labcorp
Classification: Uncertain significance for Leber congenital amaurosis 9. Last evaluated: 2024-08-31. Review status: criteria provided, single submitter. Criteria: Invitae Variant Classification Sherloc (09022015). Collection method: clinical testing. Allele origin: germline.
Comment: This sequence change replaces valine, which is neutral and non-polar, with isoleucine, which is neutral and non-polar, at codon 265 of the NMNAT1 protein (p.Val265Ile). This variant is present in population databases (rs766979956, gnomAD 0.02%). This variant has not been reported in the literature in individuals affected with NMNAT1-related conditions. ClinVar contains an entry for this variant (Variation ID: 1040500). An algorithm developed to predict the effect of missense changes on protein structure and function (PolyPhen-2) suggests that this variant is likely to be tolerated. In summary, the available evidence is currently insufficient to determine the role of this variant in disease. Therefore, it has been classified as a Variant of Uncertain Significance.

NM_022787.4(NMNAT1):c.793G>A (p.Val265Ile)

Gene: NMNAT1 (nicotinamide nucleotide adenylyltransferase 1; plus strand). Cytogenetic location: 1p36.22.
Variant type: single nucleotide variant.
Coding change: c.793G>A on transcript NM_022787.4 (MANE Select); coding-DNA position 793, G replaced by A.
Protein change: p.Val265Ile; replaces valine 265 with isoleucine.
Molecular consequence: missense variant.
Genome position (GRCh38, 1-based): chr1:9,982,654, G>A. VCF-style: chr1-9982654-G-A. GRCh37 (hg19) VCF-style: chr1-10042712-G-A.
Other names: c.793G>A, p.Val265Ile (NM_001297778.1); short protein forms V265I.
Identifiers: ClinVar variation 1040500 (VCV001040500.5), dbSNP rs766979956, ClinGen allele CA579331.